The following is an entry in ClinVar:

ClinVar aggregate classification (germline): Benign/Likely benign. Review status: criteria provided, multiple submitters, no conflicts (2 of 4 stars). 8 submissions from 8 submitters: Benign (3); Likely benign (3). 2 of the submissions do not count toward it. Last evaluated 2026-02-02.

Conditions:
Hermansky-Pudlak syndrome 6 (HPS6). Identifiers: Orphanet 231512, Orphanet 79430, MedGen C3888007, MONDO:0013558, OMIM 614075.

Allele frequency attached by ClinVar (database versions not stated): 1000 Genomes Project 30x 0.00125; 1000 Genomes Project 0.00140; TOPMed 0.00161; gnomAD exomes 0.00236 and 0.00296; ExAC 0.00264; gnomAD 0.00298 and 0.00315.

Submissions (8):

Labcorp Genetics (formerly Invitae), Labcorp
Classification: Benign. Last evaluated: 2026-02-02. Review status: criteria provided, single submitter. Criteria: Invitae Variant Classification Sherloc (09022015). Collection method: clinical testing. Allele origin: germline.

CeGaT Center for Human Genetics Tuebingen
Classification: Likely benign. Last evaluated: 2025-12-01. Review status: criteria provided, single submitter. Criteria: CeGaT Center For Human Genetics Tuebingen Variant Classification Criteria Version 2. Collection method: clinical testing. Allele origin: germline. Affected: yes. Observed: 1 variant allele.
Comment: HPS6: BS2

Blueprint Genetics
Classification: Likely benign. Last evaluated: 2024-11-27. Review status: criteria provided, single submitter. Criteria: ACMG Guidelines, 2015. Collection method: clinical testing. Allele origin: germline.

Mayo Clinic Laboratories, Mayo Clinic
Classification: Likely benign. Last evaluated: 2024-02-19. Review status: criteria provided, single submitter. Criteria: ACMG Guidelines, 2015. Collection method: clinical testing. Allele origin: germline. Observed: 2 variant alleles.
Comment: BS1, BP4

Illumina Laboratory Services, Illumina
Classification: Benign for Hermansky-Pudlak syndrome 6. Last evaluated: 2018-01-13. Review status: criteria provided, single submitter. Criteria: ICSL Variant Classification Criteria 13 December 2019. Collection method: clinical testing. Allele origin: germline.
Comment: This variant was observed in the ICSL laboratory as part of a predisposition screen in an ostensibly healthy population. It had not been previously curated by ICSL or reported in the Human Gene Mutation Database (HGMD: prior to June 1st, 2018), and was therefore a candidate for classification through an automated scoring system. Utilizing variant allele frequency, disease prevalence and penetrance estimates, and inheritance mode, an automated score was calculated to assess if this variant is too frequent to cause the disease. Based on the score and internal cut-off values, a variant classified as benign is not then subjected to further curation. The score for this variant resulted in a classification of benign for this disease.

Center for Pediatric Genomic Medicine, Children's Mercy Hospital and Clinics
Classification: Benign. Last evaluated: 2017-02-15. Review status: criteria provided, single submitter. Criteria: ACMG Guidelines, 2015. Collection method: clinical testing. Allele origin: germline.

Clinical Genetics DNA and cytogenetics Diagnostics Lab, Erasmus MC, Erasmus Medical Center
Classification: Likely benign. Review status: no assertion criteria provided. Collection method: clinical testing. Allele origin: germline. Affected: yes. Study: VKGL Data-share Consensus. Not counted in ClinVar's aggregate classification.

Clinical Genetics, Academic Medical Center
Classification: Benign. Review status: no assertion criteria provided. Collection method: clinical testing. Allele origin: germline. Affected: yes. Study: VKGL Data-share Consensus. Not counted in ClinVar's aggregate classification.

NM_024747.6(HPS6):c.398C>T (p.Ala133Val)

Gene: HPS6 (HPS6 biogenesis of lysosomal organelles complex 2 subunit 3; plus strand). Cytogenetic location: 10q24.32.
Variant type: single nucleotide variant.
Coding change: c.398C>T on transcript NM_024747.6 (MANE Select); coding-DNA position 398, C replaced by T.
Protein change: p.Ala133Val; replaces alanine 133 with valine.
Molecular consequence: missense variant.
Genome position (GRCh38, 1-based): chr10:102,065,872, C>T. VCF-style: chr10-102065872-C-T. GRCh37 (hg19) VCF-style: chr10-103825629-C-T.
Other names: p.Ala133Val; short protein forms A133V.
Identifiers: ClinVar variation 298554 (VCV000298554.24), dbSNP rs199816481, ClinGen allele CA5659778.